The following is an entry in ClinVar:

ClinVar aggregate classification (germline): Uncertain significance (1 of 4 stars; one submission).

Conditions:
Hereditary cancer-predisposing syndrome. Also called: Hereditary neoplastic syndrome; Neoplastic Syndromes, Hereditary; Tumor predisposition; Hereditary Cancer Syndrome. Identifiers: Orphanet 140162, MedGen C0027672, MeSH D009386, MONDO:0015356.

Submission:

Ambry Genetics
Classification: Uncertain significance for Hereditary cancer-predisposing syndrome. Last evaluated: 2025-02-01. Review status: criteria provided, single submitter. Criteria: Ambry Variant Classification Scheme 2023. Collection method: clinical testing. Allele origin: germline.
Comment: The p.R140K variant (also known as c.419G>A), located in coding exon 3 of the EPCAM gene, results from a G to A substitution at nucleotide position 419. The arginine at codon 140 is replaced by lysine, an amino acid with highly similar properties. This amino acid position is conserved. In addition, this alteration is predicted to be tolerated by in silico analysis. Based on the available evidence, the clinical significance of this variant remains unclear.

NM_002354.3(EPCAM):c.419G>A (p.Arg140Lys)

Gene: EPCAM (epithelial cell adhesion molecule; plus strand). Cytogenetic location: 2p21.
Variant type: single nucleotide variant.
Coding change: c.419G>A on transcript NM_002354.3 (MANE Select); coding-DNA position 419, G replaced by A.
Protein change: p.Arg140Lys; replaces arginine 140 with lysine.
Molecular consequence: missense variant.
Genome position (GRCh38, 1-based): chr2:47,374,042, G>A. VCF-style: chr2-47374042-G-A. GRCh37 (hg19) VCF-style: chr2-47601181-G-A.
Other names: short protein forms R140K.
Identifiers: ClinVar variation 3845303 (VCV003845303.1).